The following is an entry in ClinVar:

NM_001283009.2(RTEL1):c.2265T>G (p.Thr755=)

Genes: RTEL1 (regulator of telomere elongation helicase 1; plus strand), RTEL1-TNFRSF6B (RTEL1-TNFRSF6B readthrough (NMD candidate); plus strand). Cytogenetic location: 20q13.33.
Variant type: single nucleotide variant.
Coding change: c.2265T>G on transcript NM_001283009.2 (MANE Select); coding-DNA position 2265, T replaced by G.
Protein change: p.Thr755=; no amino-acid change (threonine 755 retained).
Molecular consequence: synonymous variant. On other transcripts: non-coding transcript variant (1).
Genome position (GRCh38, 1-based): chr20:63,690,210, T>G. VCF-style: chr20-63690210-T-G. GRCh37 (hg19) VCF-style: chr20-62321563-T-G.
Other names: c.1596T>G, p.Thr532= (NM_001283010.1); c.2265T>G, p.Thr755= (NM_016434.4); c.2337T>G, p.Thr779= (NM_032957.5).
Identifiers: ClinVar variation 3763220 (VCV003763220.2).

ClinVar aggregate classification (germline): Uncertain significance (1 of 4 stars; one submission).

Conditions:
Dyskeratosis congenita, autosomal recessive 5 (DKCB5). Identifiers: MedGen C3554656, MONDO:0014076, OMIM 615190.
Pulmonary fibrosis and/or bone marrow failure, Telomere-related, 3. Also called: PULMONARY FIBROSIS AND/OR BONE MARROW FAILURE SYNDROME, TELOMERE-RELATED, 3. Identifiers: Orphanet 2032, MedGen C4225346, MONDO:0014613, OMIM 616373.

Submission:

Labcorp Genetics (formerly Invitae), Labcorp
Classification: Uncertain significance for Dyskeratosis congenita, autosomal recessive 5; Pulmonary fibrosis and/or bone marrow failure, Telomere-related, 3. Last evaluated: 2024-07-08. Review status: criteria provided, single submitter. Criteria: Invitae Variant Classification Sherloc (09022015). Collection method: clinical testing. Allele origin: germline.
Comment: This sequence change affects codon 755 of the RTEL1 mRNA. It is a 'silent' change, meaning that it does not change the encoded amino acid sequence of the RTEL1 protein. It affects a nucleotide within the consensus splice site. This variant is not present in population databases (gnomAD no frequency). This variant has not been reported in the literature in individuals affected with RTEL1-related conditions. Algorithms developed to predict the effect of sequence changes on RNA splicing suggest that this variant is not likely to affect RNA splicing. In summary, the available evidence is currently insufficient to determine the role of this variant in disease. Therefore, it has been classified as a Variant of Uncertain Significance.